The following is an entry in ClinVar:

ClinVar aggregate classification (germline): Uncertain significance (1 of 4 stars; one submission).

Conditions:
Bloom syndrome (BLM). Also called: Bloom-Torre-Machacek syndrome. Identifiers: Orphanet 125, MedGen C0005859, MONDO:0008876, OMIM 210900.

Submission:

Labcorp Genetics (formerly Invitae), Labcorp
Classification: Uncertain significance for Bloom syndrome. Last evaluated: 2019-05-16. Review status: criteria provided, single submitter. Criteria: Invitae Variant Classification Sherloc (09022015). Collection method: clinical testing. Allele origin: germline.
Comment: This variant results in a copy number gain of the genomic region encompassing exons 2-12 of the BLM gene, which includes the initiator codon. The 5' end of this event is unknown as it extends beyond the assayed region for this gene and therefore may encompass additional genes. The 3' boundary is likely confined to intron 12 of the BLM gene. As the precise location of this event is unknown, it may be in tandem or it may be located elsewhere in the genome. This variant has not been reported in the literature in individuals with BLM-related conditions. In summary, the available evidence is currently insufficient to determine the role of this variant in disease. Therefore, it has been classified as a Variant of Uncertain Significance.

NC_000015.10:g.(?_90747383)_(90769596_?)dup

Gene: BLM (BLM RecQ like helicase; plus strand). Cytogenetic location: 15q26.1.
Variant type: Duplication.
Identifiers: ClinVar variation 831497 (VCV000831497.2).